The following is an entry in ClinVar:

ClinVar aggregate classification (germline): Uncertain significance (1 of 4 stars; one submission).

Conditions:
Familial cancer of breast. Also called: hereditary breast carcinoma; BREAST CANCER, FAMILIAL; Hereditary breast cancer. Identifiers: Orphanet 227535, MedGen C0346153, MONDO:0016419, OMIM 114480. Disease mechanism: loss of function.

Submission:

Labcorp Genetics (formerly Invitae), Labcorp
Classification: Uncertain significance for Familial cancer of breast. Last evaluated: 2022-06-30. Review status: criteria provided, single submitter. Criteria: Invitae Variant Classification Sherloc (09022015). Collection method: clinical testing. Allele origin: germline.
Comment: This variant is not present in population databases (gnomAD no frequency). In summary, the available evidence is currently insufficient to determine the role of this variant in disease. Therefore, it has been classified as a Variant of Uncertain Significance. Algorithms developed to predict the effect of missense changes on protein structure and function (SIFT, PolyPhen-2, Align-GVGD) all suggest that this variant is likely to be disruptive. This variant has not been reported in the literature in individuals affected with PALB2-related conditions. This sequence change replaces tryptophan, which is neutral and slightly polar, with leucine, which is neutral and non-polar, at codon 898 of the PALB2 protein (p.Trp898Leu).

NM_024675.4(PALB2):c.2693G>T (p.Trp898Leu)

Gene: PALB2 (partner and localizer of BRCA2; minus strand). Cytogenetic location: 16p12.2.
Variant type: single nucleotide variant.
Coding change: c.2693G>T on transcript NM_024675.4 (MANE Select); coding-DNA position 2693, G replaced by T.
Protein change: p.Trp898Leu; replaces tryptophan 898 with leucine.
Molecular consequence: missense variant.
Genome position (GRCh38, 1-based): chr16:23,626,291, C>A on the plus strand (G>T on the coding strand, the complement: PALB2 is on the minus strand). VCF-style: chr16-23626291-C-A. GRCh37 (hg19) VCF-style: chr16-23637612-C-A.
Other names: c.2633G>T, p.Trp878Leu (NM_001407296.1); c.2621G>T, p.Trp874Leu (NM_001407297.1); c.2693G>T, p.Trp898Leu (NM_001407299.1, NM_001407300.1, NM_001407301.1); c.1808G>T, p.Trp603Leu (NM_001407304.1, NM_001407305.1, NM_001407306.1 and 4 more transcripts); c.905G>T, p.Trp302Leu (NM_001407312.1, NM_001407313.1); c.227G>T, p.Trp76Leu (NM_001407314.1); short protein forms W874L, W302L, W603L, W76L, W878L, W898L.
Identifiers: ClinVar variation 2012602 (VCV002012602.4), dbSNP rs876658983, ClinGen allele CA395121973.